The following is an entry in ClinVar:

ClinVar aggregate classification (germline): Benign (1 of 4 stars; one submission).

Conditions:
Gastrointestinal stromal tumor. Also called: Gastrointestinal stromal tumor, somatic; Gastrointestinal stroma tumor. Identifiers: Orphanet 44890, MedGen C0238198, MeSH D046152, MONDO:0011719, OMIM 606764, HP:0100723.

Submission:

Myriad Genetics, Inc.
Classification: Benign for Gastrointestinal stromal tumor. Last evaluated: 2026-06-05. Review status: criteria provided, single submitter. Criteria: Myriad Autosomal Dominant, Autosomal Recessive and X-Linked Classification Criteria (2023). Collection method: clinical testing. Allele origin: unknown.
Comment: This variant is considered benign. This variant is a silent/synonymous amino acid change and it is not expected to impact splicing.

NM_000222.3(KIT):c.2616A>G (p.Gly872=)

Gene: KIT (KIT proto-oncogene, receptor tyrosine kinase; plus strand). Cytogenetic location: 4q12.
Variant type: single nucleotide variant.
Coding change: c.2616A>G on transcript NM_000222.3 (MANE Select); coding-DNA position 2616, A replaced by G.
Protein change: p.Gly872=; no amino-acid change (glycine 872 retained).
Molecular consequence: synonymous variant.
Genome position (GRCh38, 1-based): chr4:54,736,740, A>G. VCF-style: chr4-54736740-A-G. GRCh37 (hg19) VCF-style: chr4-55602906-A-G.
Other names: c.2604A>G, p.Gly868= (NM_001093772.2, NM_001385292.1); c.2619A>G, p.Gly873= (NM_001385284.1); c.2613A>G, p.Gly871= (NM_001385285.1); c.2601A>G, p.Gly867= (NM_001385286.1); c.2607A>G, p.Gly869= (NM_001385288.1); c.2616A>G, p.Gly872= (NM_001385290.1).
Identifiers: ClinVar variation 4875932 (VCV004875932.1).